The following is an entry in ClinVar:

NM_030665.4(RAI1):c.383_388del (p.Pro128_Pro129del)

Gene: RAI1 (retinoic acid induced 1; plus strand). Cytogenetic location: 17p11.2.
Variant type: Deletion.
Coding change: c.383_388del on transcript NM_030665.4 (MANE Select); coding-DNA positions 383 to 388, 6 bases deleted (CCCCAC; older notation c.383_388delCCCCAC).
Protein change: p.Pro128_Pro129del.
Molecular consequence: inframe deletion.
Genome position (GRCh38, 1-based): chr17:17,793,331-17,793,336, CCCCAC deleted; deleting any 6 consecutive bases within chr17:17,793,327-17,793,336 gives the same sequence; the c. name uses the placement nearest the transcript's 3' end. VCF-style (leftmost placement, unchanged base first): chr17-17793326-ACCACCC-A. GRCh37 (hg19) VCF-style: chr17-17696640-ACCACCC-A.
Other names: c.383_388del6 (NM_030665.3).
Identifiers: ClinVar variation 1346545 (VCV001346545.8), dbSNP rs757101407, ClinGen allele CA8418109.
Genomic context (GRCh38, chr17:17,793,326, plus strand): 5'-CCCCTACCCAGGCCGCTATGCTGGTGAGGAGAGCCTTCAGGCTTGGGGGGCCCCACAGCC[ACCACCC>A]CCACAGCCGCAGCCACTACCTGCAGGGGTGGCCAAGTATGATGAGAACTTGATGAAAAAG-3'

ClinVar aggregate classification (germline): Conflicting classifications of pathogenicity. Review status: criteria provided, conflicting classifications (1 of 4 stars). 2 submissions from 2 submitters: Uncertain significance (1); Likely benign (1). Last evaluated 2026-03-24.

Conditions:
RAI1-related disorder. Also called: RAI1-related condition.

Submissions (2):

PreventionGenetics, part of Exact Sciences
Classification: Uncertain significance for RAI1-related condition. Last evaluated: 2026-03-24. Review status: criteria provided, single submitter. Criteria: ACMG Guidelines, 2015. Collection method: clinical testing. Allele origin: germline.
Comment: The RAI1 c.383_388del6 variant is predicted to result in an in-frame deletion (p.Pro128_Pro129del). To our knowledge, this variant has not been reported in the literature. This variant is reported in 0.0087% of alleles in individuals of Latino descent in gnomAD, which is more common than expected for a primary cause of disease. Although we suspect that this variant may be benign, at this time, the clinical significance of this variant is uncertain due to the absence of conclusive functional and genetic evidence.

Labcorp Genetics (formerly Invitae), Labcorp
Classification: Likely benign. Last evaluated: 2026-01-08. Review status: criteria provided, single submitter. Criteria: Invitae Variant Classification Sherloc (09022015). Collection method: clinical testing. Allele origin: germline.